The following is an entry in ClinVar:

ClinVar aggregate classification (germline): Conflicting classifications of pathogenicity. Review status: criteria provided, conflicting classifications (1 of 4 stars). 4 submissions from 4 submitters: Uncertain significance (1); Likely benign (3). Last evaluated 2025-05-23.

Conditions:
MEGF10-related myopathy (CMYO10A). Also called: Congenital myopathy 10A, severe variant. Identifiers: Orphanet 439212, MedGen C3280679, MONDO:0013731, OMIM 614399.

Allele frequency attached by ClinVar (database versions not stated): ExAC 0.00002; gnomAD exomes 0.00002 and 0.00003; gnomAD 0.00007 and 0.00009; TOPMed 0.00009; ESP Exome Variant Server 0.00023.
gnomAD v4.1: 56 of 1,613,704 alleles (0.0035%); highest among the groups gnomAD compares: African/African-American, 0.015%; no homozygotes.

Submissions (4):

Labcorp Genetics (formerly Invitae), Labcorp
Classification: Likely benign for MEGF10-related myopathy. Last evaluated: 2025-05-23. Review status: criteria provided, single submitter. Criteria: Invitae Variant Classification Sherloc (09022015). Collection method: clinical testing. Allele origin: germline.

Blueprint Genetics
Classification: Likely benign. Last evaluated: 2024-11-11. Review status: criteria provided, single submitter. Criteria: ACMG Guidelines, 2015. Collection method: clinical testing. Allele origin: germline.

GeneDx
Classification: Likely benign. Last evaluated: 2018-04-19. Review status: criteria provided, single submitter. Criteria: GeneDx Variant Classification (06012015). Collection method: clinical testing. Allele origin: germline. Affected: yes.
Comment: This variant is considered likely benign or benign based on one or more of the following criteria: it is a conservative change, it occurs at a poorly conserved position in the protein, it is predicted to be benign by multiple in silico algorithms, and/or has population frequency not consistent with disease.

Illumina Laboratory Services, Illumina
Classification: Uncertain significance for MEGF10-related myopathy. Last evaluated: 2018-01-12. Review status: criteria provided, single submitter. Criteria: ICSL Variant Classification Criteria 13 December 2019. Collection method: clinical testing. Allele origin: germline.

NM_001256545.2(MEGF10):c.2442T>C (p.Thr814=)

Gene: MEGF10 (multiple EGF like domains 10; plus strand). Cytogenetic location: 5q23.2.
Variant type: single nucleotide variant.
Coding change: c.2442T>C on transcript NM_001256545.2 (MANE Select); coding-DNA position 2442, T replaced by C.
Protein change: p.Thr814=; no amino-acid change (threonine 814 retained).
Molecular consequence: synonymous variant.
Genome position (GRCh38, 1-based): chr5:127,443,077, T>C. VCF-style: chr5-127443077-T-C. GRCh37 (hg19) VCF-style: chr5-126778769-T-C.
Other names: c.2442T>C, p.Thr814= (NM_032446.3).
Identifiers: ClinVar variation 350663 (VCV000350663.18), dbSNP rs370850456, ClinGen allele CA3391932.
Genomic context (GRCh38, chr5:127,443,077, plus strand): 5'-TGGCTATGGCTGTCGCCAGATATGTGATTGTCTGAACAACTCCACCTGCGACCACATCAC[T>C]GGGACCTGTTACTGCAGCCCCGGATGGAAGGGAGCGAGATGTGATCAAGGTAAATATACT-3'
Protein context (NP_001243474.1, residues 804-824): CLNNSTCDHI[Thr814=]GTCYCSPGWK